The following is an entry in ClinVar:

NM_001999.4(FBN2):c.4273T>C (p.Cys1425Arg)

Gene: FBN2 (fibrillin 2; minus strand). Cytogenetic location: 5q23.3.
Variant type: single nucleotide variant.
Coding change: c.4273T>C on transcript NM_001999.4 (MANE Select); coding-DNA position 4273, T replaced by C.
Protein change: p.Cys1425Arg; replaces cysteine 1425 with arginine.
Molecular consequence: missense variant.
Genome position (GRCh38, 1-based): chr5:128,330,645, A>G on the plus strand (T>C on the coding strand, the complement: FBN2 is on the minus strand). VCF-style: chr5-128330645-A-G. GRCh37 (hg19) VCF-style: chr5-127666337-A-G.
Other names: short protein forms C1425R.
Identifiers: ClinVar variation 2734777 (VCV002734777.3), dbSNP rs1750668598, ClinGen allele CA360754094.

ClinVar aggregate classification (germline): Pathogenic (1 of 4 stars; one submission).

Conditions:
Congenital contractural arachnodactyly (CCA). Also called: Beals-Hecht syndrome; Arthrogryposis, distal, type 9; BEALS SYNDROME. Identifiers: Orphanet 115, MedGen C0220668, MONDO:0007363, OMIM 121050.

Submission:

Labcorp Genetics (formerly Invitae), Labcorp
Classification: Pathogenic for Congenital contractural arachnodactyly. Last evaluated: 2023-11-01. Review status: criteria provided, single submitter. Criteria: Invitae Variant Classification Sherloc (09022015). Collection method: clinical testing. Allele origin: germline.
Comment: This sequence change replaces cysteine, which is neutral and slightly polar, with arginine, which is basic and polar, at codon 1425 of the FBN2 protein (p.Cys1425Arg). This variant is not present in population databases (gnomAD no frequency). This missense change has been observed in individual(s) with congenital contractural arachnodactyly (PMID: 19006240). Advanced modeling of protein sequence and biophysical properties (such as structural, functional, and spatial information, amino acid conservation, physicochemical variation, residue mobility, and thermodynamic stability) performed at Invitae indicates that this missense variant is expected to disrupt FBN2 protein function with a positive predictive value of 80%. This variant affects a cysteine residue located within an epidermal growth factor (EGF)–like domain of the FBN2 protein. Cysteine residues in these domains are involved in the formation of disulfide bridges critical for protein structure and stability (PMID: 3495735, 4750422, 16677079). In addition, missense substitutions within the FBN2 EGF-like domains affecting cysteine residues are overrepresented in patients with congenital contractural arachnodactyly (PMID: 18767143). For these reasons, this variant has been classified as Pathogenic.

Literature cited by the submitters: PubMed 19006240; PubMed 3495735; PubMed 4750422; PubMed 16677079; PubMed 18767143.